The following is an entry in ClinVar:

NM_032279.4(ATP13A4):c.2111A>C (p.Glu704Ala)

Gene: ATP13A4 (ATPase 13A4; minus strand). Cytogenetic location: 3q29.
Variant type: single nucleotide variant.
Coding change: c.2111A>C on transcript NM_032279.4 (MANE Select); coding-DNA position 2111, A replaced by C.
Protein change: p.Glu704Ala; replaces glutamic acid 704 with alanine.
Molecular consequence: missense variant.
Genome position (GRCh38, 1-based): chr3:193,448,247, T>G on the plus strand (A>C on the coding strand, the complement: ATP13A4 is on the minus strand). VCF-style: chr3-193448247-T-G. GRCh37 (hg19) VCF-style: chr3-193166036-T-G.
Other names: short protein forms E704A.
Identifiers: ClinVar variation 3047558 (VCV003047558.2), dbSNP rs750651530, ClinGen allele CA2758176.

ClinVar aggregate classification (germline): Likely benign (0 of 4 stars; one submission).

Conditions:
ATP13A4-related disorder. Also called: ATP13A4-related condition.

Allele frequency attached by ClinVar (database versions not stated): gnomAD 0.00009; gnomAD exomes 0.00010; TOPMed 0.00016; ExAC 0.00030.
gnomAD v4.1: 166 of 1,614,214 alleles (0.01%); highest among the groups gnomAD compares: East Asian, 0.35%; no homozygotes.

Submission:

PreventionGenetics, part of Exact Sciences
Classification: Likely benign for ATP13A4-related condition. Last evaluated: 2022-03-31. Review status: no assertion criteria provided. Collection method: clinical testing. Allele origin: germline.
Comment: This variant is classified as likely benign based on ACMG/AMP sequence variant interpretation guidelines (Richards et al. 2015 PMID: 25741868, with internal and published modifications).